The following is an entry in ClinVar:

Conditions:
Breast-ovarian cancer, familial, susceptibility to, 1 (BROVCA1). Also called: BRCA1 Hereditary Breast and Ovarian Cancer; OVARIAN CANCER, SUSCEPTIBILITY TO. Identifiers: Orphanet 145, MedGen C2676676, MONDO:0011450, OMIM 604370. Disease mechanism: loss of function.

Submission:

Brotman Baty Institute, University of Washington
No classification provided (evidence only). Condition: Breast-ovarian cancer, familial 1. Review status: no classification provided. Collection method: in vitro. Allele origin: not applicable. Functional consequence: functionally_normal.
ClinVar note: "not provided" was previously submitted as the classification for the variant. However, the classification appeared to be based only on an observation of functional data so it was converted to no classification on 2025-07-30.

NM_007294.4(BRCA1):c.5208C>G (p.Val1736=)

Gene: BRCA1 (BRCA1 DNA repair associated; minus strand). Cytogenetic location: 17q21.31.
Variant type: single nucleotide variant.
Coding change: c.5208C>G on transcript NM_007294.4 (MANE Select); coding-DNA position 5208, C replaced by G.
Protein change: p.Val1736=; no amino-acid change (valine 1736 retained).
Molecular consequence: synonymous variant.
Genome position (GRCh38, 1-based): chr17:43,057,121, G>C on the plus strand (C>G on the coding strand, the complement: BRCA1 is on the minus strand). VCF-style: chr17-43057121-G-C. GRCh37 (hg19) VCF-style: chr17-41209138-G-C.
Other names: c.1632C>G, p.Val544= (NM_001408504.1, NM_001408502.1, NM_001408503.1); c.1629C>G, p.Val543= (NM_001408505.1); c.1572C>G, p.Val524= (NM_001408506.1); c.1569C>G, p.Val523= (NM_001408507.1); c.1560C>G, p.Val520= (NM_001408508.1); c.1557C>G, p.Val519= (NM_001408509.1); c.1518C>G, p.Val506= (NM_001408510.1); c.4995C>G, p.Val1665= (NM_001407571.1, NM_001407894.1, NM_001407895.1 and 12 more transcripts); and 72 more.
Identifiers: ClinVar variation 867846 (VCV000867846.3), dbSNP rs2051525820, ClinGen allele CA500144840.
Genomic context (GRCh38, chr17:43,057,121, plus strand): 5'-CTGGGATTCTCTTGCTCGCTTTGGACCTTGGTGGTTTCTTCCATTGACCACATCTCCTCT[G>C]ACTTCAAAATCATGCTGAAAGAAACCAAACACAACCCATCAGGATAAGAGAAAGAGAAGC-3'
Protein context (NP_009225.1, residues 1726-1746): RKMLNEHDFE[Val1736=]RGDVVNGRNH